The following is an entry in ClinVar:

ClinVar aggregate classification (germline): Uncertain significance. Review status: criteria provided, multiple submitters, no conflicts (2 of 4 stars). 2 submissions from 2 submitters: Uncertain significance (2). Last evaluated 2024-10-15.

Conditions:
Early-infantile DEE. Also called: Early infantile epileptic encephalopathy; Ohtahara syndrome; Early infantile epileptic encephalopathy with suppression bursts. Identifiers: Orphanet 1934, MedGen C0393706, MONDO:0800491.

Allele frequency attached by ClinVar (database versions not stated): ExAC 0.00001; gnomAD exomes 0.00002; TOPMed 0.00003; gnomAD 0.00005; ESP Exome Variant Server 0.00023.
gnomAD v4.1: 44 of 1,614,046 alleles (0.0027%); highest among the groups gnomAD compares: Non-Finnish European, 0.0032%; no homozygotes.

Submissions (2):

Labcorp Genetics (formerly Invitae), Labcorp
Classification: Uncertain significance for Early-infantile DEE. Last evaluated: 2024-10-15. Review status: criteria provided, single submitter. Criteria: Invitae Variant Classification Sherloc (09022015). Collection method: clinical testing. Allele origin: germline.
Comment: This sequence change replaces arginine, which is basic and polar, with serine, which is neutral and polar, at codon 188 of the CACNA2D2 protein (p.Arg188Ser). This variant is present in population databases (rs148615584, gnomAD 0.004%). This variant has not been reported in the literature in individuals affected with CACNA2D2-related conditions. ClinVar contains an entry for this variant (Variation ID: 655740). An algorithm developed to predict the effect of missense changes on protein structure and function (PolyPhen-2) suggests that this variant is likely to be tolerated. In summary, the available evidence is currently insufficient to determine the role of this variant in disease. Therefore, it has been classified as a Variant of Uncertain Significance.

Breakthrough Genomics
Classification: Uncertain significance. Review status: criteria provided, single submitter. Criteria: ACMG Guidelines, 2015. Collection method: not provided. Allele origin: germline. Inheritance: Autosomal recessive inheritance. Affected: yes.

NM_006030.4(CACNA2D2):c.564G>C (p.Arg188Ser)

Gene: CACNA2D2 (calcium voltage-gated channel auxiliary subunit alpha2delta 2; minus strand). Cytogenetic location: 3p21.31.
Variant type: single nucleotide variant.
Coding change: c.564G>C on transcript NM_006030.4 (MANE Select); coding-DNA position 564, G replaced by C.
Protein change: p.Arg188Ser; replaces arginine 188 with serine.
Molecular consequence: missense variant.
Genome position (GRCh38, 1-based): chr3:50,384,284, C>G on the plus strand (G>C on the coding strand, the complement: CACNA2D2 is on the minus strand). VCF-style: chr3-50384284-C-G. GRCh37 (hg19) VCF-style: chr3-50421715-C-G.
Other names: c.564G>C, p.Arg188Ser (NM_001005505.3, NM_001174051.3); c.357G>C, p.Arg119Ser (NM_001291101.1); short protein forms R188S, R119S.
Identifiers: ClinVar variation 655740 (VCV000655740.9), dbSNP rs148615584, ClinGen allele CA2419143.